The following is an entry in ClinVar:

ClinVar aggregate classification (germline): Uncertain significance (0 of 4 stars; one submission).

Conditions:
SIM1-related disorder. Also called: SIM1-related condition; SIM1-related disorders.

gnomAD v4.1: 1 of 1,614,128 alleles (0.000062%); highest among the groups gnomAD compares: Non-Finnish European, 0.000085%; no homozygotes.

Submission:

PreventionGenetics, part of Exact Sciences
Classification: Uncertain significance for SIM1-related condition. Last evaluated: 2024-02-16. Review status: no assertion criteria provided. Collection method: clinical testing. Allele origin: germline.
Comment: The SIM1 c.2041G>C variant is predicted to result in the amino acid substitution p.Asp681His. To our knowledge, this variant has not been reported in the literature or in a large population database, indicating this variant is rare. At this time, the clinical significance of this variant is uncertain due to the absence of conclusive functional and genetic evidence.

NM_005068.3(SIM1):c.2041G>C (p.Asp681His)

Gene: SIM1 (SIM bHLH transcription factor 1; minus strand). Cytogenetic location: 6q16.3.
Variant type: single nucleotide variant.
Coding change: c.2041G>C on transcript NM_005068.3 (MANE Select); coding-DNA position 2041, G replaced by C.
Protein change: p.Asp681His; replaces aspartic acid 681 with histidine.
Molecular consequence: missense variant.
Genome position (GRCh38, 1-based): chr6:100,390,621, C>G on the plus strand (G>C on the coding strand, the complement: SIM1 is on the minus strand). VCF-style: chr6-100390621-C-G. GRCh37 (hg19) VCF-style: chr6-100838497-C-G.
Other names: c.2041G>C, p.Asp681His (NM_001374769.1); short protein forms D681H.
Identifiers: ClinVar variation 3348090 (VCV003348090.1).
Genomic context (GRCh38, chr6:100,390,621, plus strand): 5'-AGCCAAAGCAGTTTGGAGAGACAGTAGGGTGGTCTCCTGCTGTCTGATGAGGAGATATAT[C>G]CGAATGCAGATAGTCTTTAGCTAGGATCAAACTGGATTTTGAAATGCGATCCGAATTGGG-3'
Protein context (NP_005059.2, residues 671-691): LILAKDYLHS[Asp681His]ISPHQTAGDH